The following is an entry in ClinVar:

NM_001613.4(ACTA2):c.129+4A>G

Gene: ACTA2 (actin alpha 2, smooth muscle; minus strand). Cytogenetic location: 10q23.31.
Variant type: single nucleotide variant.
Coding change: c.129+4A>G on transcript NM_001613.4 (MANE Select); 4 bases into the intron after coding-DNA position 129, A replaced by G.
Molecular consequence: intron variant.
Genome position (GRCh38, 1-based): chr10:88,948,798, T>C on the plus strand (A>G on the coding strand, the complement: ACTA2 is on the minus strand). VCF-style: chr10-88948798-T-C. GRCh37 (hg19) VCF-style: chr10-90708555-T-C.
Other names: c.129+4A>G (NM_001406467.1, NM_001320855.2, NM_001406462.1 and 7 more transcripts).
Identifiers: ClinVar variation 469083 (VCV000469083.9), dbSNP rs1390177518, ClinGen allele CA594941346.

ClinVar aggregate classification (germline): Uncertain significance. Review status: criteria provided, multiple submitters, no conflicts (2 of 4 stars). 2 submissions from 2 submitters: Uncertain significance (2). Last evaluated 2022-04-01.

Conditions:
Multisystemic smooth muscle dysfunction syndrome (SMDYS). Also called: MYDRIASIS, CONGENITAL, WITH PATENT DUCTUS ARTERIOSUS, THORACIC AORTIC ANEURYSM, AND VASCULOPATHY; SMOOTH MUSCLE DYSFUNCTION SYNDROME. Identifiers: Orphanet 404463, MedGen C3151201, MONDO:0013452, OMIM 613834.
Moyamoya disease 5 (MYMY5). Identifiers: Orphanet 2573, MedGen C3279690, MONDO:0013542, OMIM 614042.
Aortic aneurysm, familial thoracic 6 (AAT6). Also called: FAMILIAL THORACIC AORTIC ANEURYSM WITH LIVEDO RETICULARIS AND IRIS FLOCCULI. Identifiers: MedGen C2673186, MONDO:0012730, OMIM 611788.

Allele frequency attached by ClinVar (database versions not stated): gnomAD exomes below 0.00001; TOPMed below 0.00001.

Submissions (2):

Fulgent Genetics
Classification: Uncertain significance for Aortic aneurysm, familial thoracic 6; Multisystemic smooth muscle dysfunction syndrome; Moyamoya disease 5. Last evaluated: 2022-04-01. Review status: criteria provided, single submitter. Criteria: ACMG Guidelines, 2015. Collection method: clinical testing. Allele origin: unknown.

Labcorp Genetics (formerly Invitae), Labcorp
Classification: Uncertain significance for Aortic aneurysm, familial thoracic 6. Last evaluated: 2017-04-16. Review status: criteria provided, single submitter. Criteria: Invitae Variant Classification Sherloc (09022015). Collection method: clinical testing. Allele origin: germline.
Comment: This variant is not present in population databases (ExAC no frequency) and has not been reported in the literature in individuals with a ACTA2-related disease. In summary, this is a novel intronic change with uncertain impact on splicing. It has been classified as a Variant of Uncertain Significance. Nucleotide substitutions within the consensus splice site are relatively common causes of aberrant splicing (PMID: 17576681, 9536098). Algorithms developed to predict the effect of nucleotide changes on RNA splicing suggest that this variant may alter RNA splicing, but this prediction has not been confirmed by published transcriptional studies. This sequence change falls in intron 2 of the ACTA2 gene. It does not directly change the encoded amino acid sequence of the ACTA2 protein, but it affects a nucleotide within the consensus splice site of the intron.

Literature cited by the submitters: PubMed 17576681 (cited by Labcorp Genetics (formerly Invitae), Labcorp); PubMed 9536098 (cited by Labcorp Genetics (formerly Invitae), Labcorp).